The following is an entry in ClinVar:

NM_000051.4(ATM):c.6920T>A (p.Leu2307His)

Genes: ATM (ATM serine/threonine kinase; plus strand), C11orf65 (chromosome 11 open reading frame 65; minus strand). Cytogenetic location: 11q22.3.
Variant type: single nucleotide variant.
Coding change: c.6920T>A on transcript NM_000051.4 (MANE Select); coding-DNA position 6920, T replaced by A.
Protein change: p.Leu2307His; replaces leucine 2307 with histidine.
Molecular consequence: missense variant. On other transcripts: intron variant (2).
Genome position (GRCh38, 1-based): chr11:108,326,170, T>A. VCF-style: chr11-108326170-T-A. GRCh37 (hg19) VCF-style: chr11-108196897-T-A.
Other names: c.6920T>A, p.Leu2307His (NM_001351834.2); c.641-17099A>T (NM_001330368.2); c.*38+9050A>T (NM_001351110.2); short protein forms L2307H.
Identifiers: ClinVar variation 843322 (VCV000843322.11), dbSNP rs2085661534, ClinGen allele CA382557083.
Genomic context (GRCh38, chr11:108,326,170, plus strand): 5'-GAGTCTCTGAGTGGCAGCTGGAAGAAGCACAAGTATTCTGGGCAAAAAAGGAGCAGAGTC[T>A]TGCCCTGAGTATTCTCAAGCAAATGATCAAGAAGTTGGATGCCAGCTGTGCAGCGGTTTG-3'
Protein context (NP_000042.3, residues 2297-2317): QVFWAKKEQS[Leu2307His]ALSILKQMIK

ClinVar aggregate classification (germline): Uncertain significance. Review status: criteria provided, multiple submitters, no conflicts (2 of 4 stars). 2 submissions from 2 submitters: Uncertain significance (2). Last evaluated 2025-04-21.

Conditions:
Hereditary cancer-predisposing syndrome. Also called: Tumor predisposition; Neoplastic Syndromes, Hereditary; Hereditary Cancer Syndrome; Hereditary neoplastic syndrome. Identifiers: Orphanet 140162, MedGen C0027672, MeSH D009386, MONDO:0015356.
Ataxia-telangiectasia syndrome (AT). Also called: ATAXIA-TELANGIECTASIA, COMPLEMENTATION GROUP A; ATAXIA-TELANGIECTASIA, FRESNO VARIANT; Ataxia-telangiectasia; Ataxia-telangiectasia, complementation group D; AT, COMPLEMENTATION GROUP C; Ataxia-telangiectasia, complementation group E. Identifiers: Orphanet 100, MedGen C0004135, MONDO:0008840, OMIM 208900.

Submissions (2):

Ambry Genetics
Classification: Uncertain significance for Hereditary cancer-predisposing syndrome. Last evaluated: 2025-04-21. Review status: criteria provided, single submitter. Criteria: Ambry Variant Classification Scheme 2023. Collection method: clinical testing. Allele origin: germline.
Comment: The p.L2307H variant (also known as c.6920T>A), located in coding exon 46 of the ATM gene, results from a T to A substitution at nucleotide position 6920. The leucine at codon 2307 is replaced by histidine, an amino acid with similar properties. This amino acid position is well conserved in available vertebrate species. In addition, this alteration is predicted to be deleterious by in silico analysis. Based on the available evidence, the clinical significance of this variant remains unclear.

Labcorp Genetics (formerly Invitae), Labcorp
Classification: Uncertain significance for Ataxia-telangiectasia syndrome. Last evaluated: 2019-03-04. Review status: criteria provided, single submitter. Criteria: Invitae Variant Classification Sherloc (09022015). Collection method: clinical testing. Allele origin: germline.
Comment: In summary, the available evidence is currently insufficient to determine the role of this variant in disease. Therefore, it has been classified as a Variant of Uncertain Significance. Algorithms developed to predict the effect of missense changes on protein structure and function are either unavailable or do not agree on the potential impact of this missense change (SIFT: "Deleterious"; PolyPhen-2: "Probably Damaging"; Align-GVGD: "Class C0"). This variant has not been reported in the literature in individuals with ATM-related conditions. This variant is not present in population databases (ExAC no frequency). This sequence change replaces leucine with histidine at codon 2307 of the ATM protein (p.Leu2307His). The leucine residue is moderately conserved and there is a moderate physicochemical difference between leucine and histidine.